The following is an entry in ClinVar:

NM_000052.7(ATP7A):c.3421A>C (p.Asn1141His)

Gene: ATP7A (ATPase copper transporting alpha; plus strand). Cytogenetic location: Xq21.1.
Variant type: single nucleotide variant.
Coding change: c.3421A>C on transcript NM_000052.7 (MANE Select); coding-DNA position 3421, A replaced by C.
Protein change: p.Asn1141His; replaces asparagine 1141 with histidine.
Molecular consequence: missense variant. On other transcripts: non-coding transcript variant (1).
Genome position (GRCh38, 1-based): chrX:78,033,731, A>C. VCF-style: chrX-78033731-A-C. GRCh37 (hg19) VCF-style: chrX-77289229-A-C.
Other names: c.3187A>C, p.Asn1063His (NM_001282224.2); short protein forms N1063H, N1141H.
Identifiers: ClinVar variation 1465984 (VCV001465984.6), dbSNP rs2149107206, ClinGen allele CA413604125.

ClinVar aggregate classification (germline): Uncertain significance (1 of 4 stars; one submission).

Conditions:
Cutis laxa, X-linked (OHS). Also called: EDS IX; Occipital horn syndrome. Identifiers: Orphanet 198, MedGen C0268353, MONDO:0010572, OMIM 304150.
X-linked distal spinal muscular atrophy type 3. Also called: ATP7A-Related Distal Motor Neuropathy; SPINAL MUSCULAR ATROPHY, DISTAL, X-LINKED RECESSIVE; NEURONOPATHY, DISTAL HEREDITARY MOTOR, X-LINKED; NEUROPATHY, DISTAL HEREDITARY MOTOR, X-LINKED. Identifiers: Orphanet 139557, MedGen C1845359, MONDO:0010338, OMIM 300489.
Menkes kinky-hair syndrome (MNK). Also called: Classic Menkes Disease; Copper transport disease; Menkes Disease. Identifiers: Orphanet 565, MedGen C0022716, MONDO:0010651, OMIM 309400.

Submission:

Labcorp Genetics (formerly Invitae), Labcorp
Classification: Uncertain significance for X-linked distal spinal muscular atrophy type 3; Cutis laxa, X-linked; Menkes kinky-hair syndrome. Last evaluated: 2021-08-03. Review status: criteria provided, single submitter. Criteria: Invitae Variant Classification Sherloc (09022015). Collection method: clinical testing. Allele origin: germline.
Comment: In summary, the available evidence is currently insufficient to determine the role of this variant in disease. Therefore, it has been classified as a Variant of Uncertain Significance. This sequence change replaces asparagine with histidine at codon 1141 of the ATP7A protein (p.Asn1141His). The asparagine residue is highly conserved and there is a small physicochemical difference between asparagine and histidine. This variant is not present in population databases (ExAC no frequency). This variant has not been reported in the literature in individuals affected with ATP7A-related conditions. Advanced modeling of protein sequence and biophysical properties (such as structural, functional, and spatial information, amino acid conservation, physicochemical variation, residue mobility, and thermodynamic stability) performed at Invitae indicates that this missense variant is not expected to disrupt ATP7A protein function.